The following is an entry in ClinVar:

ClinVar aggregate classification (germline): Uncertain significance. Review status: criteria provided, multiple submitters, no conflicts (2 of 4 stars). 2 submissions from 2 submitters: Uncertain significance (2). Last evaluated 2026-01-26.

Submissions (2):

Labcorp Genetics (formerly Invitae), Labcorp
Classification: Uncertain significance. Last evaluated: 2026-01-26. Review status: criteria provided, single submitter. Criteria: Invitae Variant Classification Sherloc (09022015). Collection method: clinical testing. Allele origin: germline.
Comment: This variant, c.486_488del, results in the deletion of 1 amino acid(s) of the FOXP1 protein (p.Gln162del), but otherwise preserves the integrity of the reading frame. This variant is present in population databases (rs781038123, gnomAD 0.01%). This variant has not been reported in the literature in individuals affected with FOXP1-related conditions. ClinVar contains an entry for this variant (Variation ID: 1895721). Experimental studies and prediction algorithms are not available or were not evaluated, and the functional significance of this variant is currently unknown. In summary, the available evidence is currently insufficient to determine the role of this variant in disease. Therefore, it has been classified as a Variant of Uncertain Significance.

GeneDx
Classification: Uncertain significance. Last evaluated: 2023-10-03. Review status: criteria provided, single submitter. Criteria: GeneDx Variant Classification Process June 2021. Collection method: clinical testing. Allele origin: germline. Affected: yes.
Comment: In-frame deletion of 1 amino acids in a non-repeat region; In silico analysis supports a deleterious effect on protein structure/function; Has not been previously published as pathogenic or benign to our knowledge

NM_001349338.3(FOXP1):c.477ACA[3] (p.Gln162del)

Gene: FOXP1 (forkhead box P1; minus strand). Cytogenetic location: 3p13.
Variant type: Microsatellite.
Coding change: c.477ACA[3] on transcript NM_001349338.3 (MANE Select); three copies in a row of the 3-base unit ACA starting at c.477; the reference has four copies in a row; one copy, 3 bases deleted.
Protein change: p.Gln162del; deletes glutamine 162.
Molecular consequence: inframe deletion. On other transcripts: inframe indel (1), non-coding transcript variant (2), intron variant (1).
Genome position (GRCh38, 1-based): chr3:71,052,559-71,052,561, TGT deleted on the plus strand (ACA on the coding strand, the reverse complement: FOXP1 is on the minus strand); deleting any 3 consecutive bases within chr3:71,052,559-71,052,570 gives the same sequence; the position shown is the placement nearest the transcript's 3' end. VCF-style (leftmost placement, unchanged base first): chr3-71052558-ATGT-A. GRCh37 (hg19) VCF-style: chr3-71101709-ATGT-A.
Other names: c.477ACA[3], p.Gln162del (NM_001244808.3, NM_001244810.2, NM_001244814.3 and 3 more transcripts); c.177ACA[3], p.Gln62del (NM_001244813.3, NM_001244815.2, NM_001349342.3 and 1 more transcripts); c.174ACA[3], p.Gln61del (NM_001349337.2, NM_001349343.3, NM_001349344.3); c.477_479ACA[3], p.Gln162del (NM_001349339.1); c.474ACA[3], p.Gln161del (NM_001349341.3); c.283-5475ACA[3] (NM_001244812.3); c.486_488del (NM_032682.5); short protein forms Q61del, Q62del, Q161del, Q162del.
Identifiers: ClinVar variation 1895721 (VCV001895721.6), dbSNP rs781038123, ClinGen allele CA2491251.